The following is an entry in ClinVar:

NM_001363711.2(DUOX2):c.4396-2A>G

Gene: DUOX2 (dual oxidase 2; minus strand). Cytogenetic location: 15q21.1.
Variant type: single nucleotide variant.
Coding change: c.4396-2A>G on transcript NM_001363711.2 (MANE Select); the canonical splice acceptor site of the intron before coding-DNA position 4396, A replaced by G.
Molecular consequence: splice acceptor variant.
Genome position (GRCh38, 1-based): chr15:45,094,693, T>C on the plus strand (A>G on the coding strand, the complement: DUOX2 is on the minus strand). VCF-style: chr15-45094693-T-C. GRCh37 (hg19) VCF-style: chr15-45386891-T-C.
Other names: c.4396-2A>G (NM_014080.5).
Identifiers: ClinVar variation 2229397 (VCV002229397.2), dbSNP rs1893855414, ClinGen allele CA392250193.

ClinVar aggregate classification (germline): Uncertain significance (1 of 4 stars; one submission).

Conditions:
Inborn genetic diseases. Identifiers: MedGen C0950123, MeSH D030342.

Submission:

Ambry Genetics
Classification: Uncertain significance for Inborn genetic diseases. Last evaluated: 2021-02-22. Review status: criteria provided, single submitter. Criteria: Ambry Variant Classification Scheme 2023. Collection method: clinical testing. Allele origin: germline.
Comment: The c.4396-2A>G intronic alteration consists of a A to G substitution two nucleotides before exon 33 (coding exon 32) of the DUOX2 gene. Alterations that disrupt the canonical splice acceptor site are typically deleterious in nature (Richards, 2015). In silico splice site analysis predicts that this alteration will weaken the native splice acceptor site and will result in the creation or strengthening of a novel splice acceptor site. Based on insufficient or conflicting evidence, the clinical significance of this alteration remains unclear.